The following is an entry in ClinVar:

ClinVar aggregate classification (germline): Uncertain significance (1 of 4 stars; one submission).

Conditions:
Cardiovascular phenotype. Identifiers: MedGen CN230736.

Submission:

Ambry Genetics
Classification: Uncertain significance for Cardiovascular phenotype. Last evaluated: 2024-01-23. Review status: criteria provided, single submitter. Criteria: Ambry Variant Classification Scheme 2023. Collection method: clinical testing. Allele origin: germline.
Comment: The c.-3C>G variant is located in the 5' untranslated region (5&rsquo; UTR) of the PCSK9 gene. This variant results from a C to G substitution 3 bases upstream from the first translated codon. This nucleotide position is not well conserved in available vertebrate species. Based on the available evidence, the clinical significance of this alteration remains unclear.

NM_174936.4(PCSK9):c.-3C>G

Gene: PCSK9 (proprotein convertase subtilisin/kexin type 9; plus strand). Cytogenetic location: 1p32.3.
Variant type: single nucleotide variant.
Coding change: c.-3C>G on transcript NM_174936.4 (MANE Select); 3 bases upstream of the start codon, C replaced by G.
Molecular consequence: 5 prime UTR variant. On other transcripts: non-coding transcript variant (8).
Genome position (GRCh38, 1-based): chr1:55,039,835, C>G. VCF-style: chr1-55039835-C-G. GRCh37 (hg19) VCF-style: chr1-55505508-C-G.
Other names: c.-3C>G (NM_001407240.1, NM_001407241.1, NM_001407242.1 and 4 more transcripts); c.-737C>G (NM_001407246.1).
Identifiers: ClinVar variation 3229296 (VCV003229296.1), dbSNP rs2523162572, ClinGen allele CA2825000978.